The following is an entry in ClinVar:

NM_203447.4(DOCK8):c.2755G>C (p.Val919Leu)

Gene: DOCK8 (dedicator of cytokinesis 8; plus strand). Cytogenetic location: 9p24.3.
Variant type: single nucleotide variant.
Coding change: c.2755G>C on transcript NM_203447.4 (MANE Select); coding-DNA position 2755, G replaced by C.
Protein change: p.Val919Leu; replaces valine 919 with leucine.
Molecular consequence: missense variant.
Genome position (GRCh38, 1-based): chr9:382,662, G>C. VCF-style: chr9-382662-G-C. GRCh37 (hg19) VCF-style: chr9-382662-G-C.
Other names: c.2551G>C, p.Val851Leu (NM_001190458.2, NM_001193536.2); short protein forms V851L, V919L.
Identifiers: ClinVar variation 838306 (VCV000838306.14), dbSNP rs1458532764, ClinGen allele CA372765424.

ClinVar aggregate classification (germline): Uncertain significance (1 of 4 stars; one submission).

Conditions:
Combined immunodeficiency due to DOCK8 deficiency (HIES2). Also called: HIES autosomal recessive; HYPER-IgE SYNDROME 2, AUTOSOMAL RECESSIVE, WITH RECURRENT INFECTIONS; DOCK8 Deficiency; Hyper-IgE recurrent infection syndrome, autosomal recessive; HYPER-IgE RECURRENT INFECTION SYNDROME 2, AUTOSOMAL RECESSIVE. Identifiers: Orphanet 217390, MedGen C4722305, MONDO:0009478, OMIM 243700.

Allele frequency attached by ClinVar (database versions not stated): TOPMed 0.00001.
gnomAD v4.1: 1 of 1,614,196 alleles (0.000062%); highest among the groups gnomAD compares: African/African-American, 0.0013%; no homozygotes.

Submission:

Labcorp Genetics (formerly Invitae), Labcorp
Classification: Uncertain significance for Combined immunodeficiency due to DOCK8 deficiency. Last evaluated: 2019-12-25. Review status: criteria provided, single submitter. Criteria: Invitae Variant Classification Sherloc (09022015). Collection method: clinical testing. Allele origin: germline.
Comment: In summary, the available evidence is currently insufficient to determine the role of this variant in disease. Therefore, it has been classified as a Variant of Uncertain Significance. Algorithms developed to predict the effect of missense changes on protein structure and function (SIFT, PolyPhen-2, Align-GVGD) all suggest that this variant is likely to be tolerated, but these predictions have not been confirmed by published functional studies and their clinical significance is uncertain. This variant has not been reported in the literature in individuals with DOCK8-related conditions. This variant is not present in population databases (ExAC no frequency). This sequence change replaces valine with leucine at codon 919 of the DOCK8 protein (p.Val919Leu). The valine residue is highly conserved and there is a small physicochemical difference between valine and leucine.